The following is an entry in ClinVar:

ClinVar aggregate classification (germline): Uncertain significance (1 of 4 stars; one submission).

Submission:

Labcorp Genetics (formerly Invitae), Labcorp
Classification: Uncertain significance. Last evaluated: 2025-11-21. Review status: criteria provided, single submitter. Criteria: Invitae Variant Classification Sherloc (09022015). Collection method: clinical testing. Allele origin: germline.
Comment: This sequence change replaces glutamic acid, which is acidic and polar, with glycine, which is neutral and non-polar, at codon 1006 of the ARID1A protein (p.Glu1006Gly). This variant is not present in population databases (gnomAD no frequency). This variant has not been reported in the literature in individuals affected with ARID1A-related conditions. Invitae Evidence Modeling of protein sequence and biophysical properties (such as structural, functional, and spatial information, amino acid conservation, physicochemical variation, residue mobility, and thermodynamic stability) indicates that this missense variant is expected to disrupt ARID1A protein function with a positive predictive value of 80%. In summary, the available evidence is currently insufficient to determine the role of this variant in disease. Therefore, it has been classified as a Variant of Uncertain Significance.

NM_006015.6(ARID1A):c.3017A>G (p.Glu1006Gly)

Gene: ARID1A (AT-rich interaction domain 1A; plus strand). Cytogenetic location: 1p36.11.
Variant type: single nucleotide variant.
Coding change: c.3017A>G on transcript NM_006015.6 (MANE Select); coding-DNA position 3017, A replaced by G.
Protein change: p.Glu1006Gly; replaces glutamic acid 1006 with glycine.
Molecular consequence: missense variant.
Genome position (GRCh38, 1-based): chr1:26,767,818, A>G. VCF-style: chr1-26767818-A-G. GRCh37 (hg19) VCF-style: chr1-27094309-A-G.
Other names: c.3017A>G, p.Glu1006Gly (NM_139135.4); short protein forms E1006G.
Identifiers: ClinVar variation 4740266 (VCV004740266.1).